The following is an entry in ClinVar:

NM_000334.4(SCN4A):c.2377G>T (p.Val793Phe)

Genes: GH-LCR (growth hormone locus control region; plus strand), SCN4A (sodium voltage-gated channel alpha subunit 4; minus strand). Cytogenetic location: 17q23.3.
Variant type: single nucleotide variant.
Coding change: c.2377G>T on transcript NM_000334.4 (MANE Select); coding-DNA position 2377, G replaced by T.
Protein change: p.Val793Phe; replaces valine 793 with phenylalanine.
Molecular consequence: missense variant.
Genome position (GRCh38, 1-based): chr17:63,951,900, C>A on the plus strand (G>T on the coding strand, the complement: SCN4A is on the minus strand). VCF-style: chr17-63951900-C-A. GRCh37 (hg19) VCF-style: chr17-62029260-C-A.
Other names: short protein forms V793F.
Identifiers: ClinVar variation 2920444 (VCV002920444.4), dbSNP rs1487423681, ClinGen allele CA400627276.

ClinVar aggregate classification (germline): Uncertain significance. Review status: criteria provided, multiple submitters, no conflicts (2 of 4 stars). 2 submissions from 2 submitters: Uncertain significance (2). Last evaluated 2025-05-05.

Conditions:
Congenital myopathy 22A, classic (CMYO22A). Identifiers: MedGen C5830453, MONDO:0957247, OMIM 620351.
Hypokalemic periodic paralysis, type 2 (HOKPP2). Identifiers: Orphanet 681, MedGen C2750061, MONDO:0013234, OMIM 613345.
Hyperkalemic periodic paralysis. Also called: Gamstorp disease; Familial hyperkalemic periodic paralysis. Identifiers: Orphanet 682, MedGen C0238357, MONDO:0008224, OMIM 170500, HP:0007215.
Congenital myopathy 22B, severe fetal (CMYO22B). Identifiers: MedGen C5830501, MONDO:0957265, OMIM 620369.
Congenital myasthenic syndrome 16. Identifiers: Orphanet 590, MedGen C3280112, MONDO:0013620, OMIM 614198.
Potassium-aggravated myotonia. Also called: MYOTONIA CONGENITA, ACETAZOLAMIDE-RESPONSIVE; MYOTONIA CONGENITA, ATYPICAL; SODIUM CHANNEL MUSCLE DISEASE; Myotonia congenita, atypical, acetazolamide-responsive. Identifiers: Orphanet 612, Orphanet 99734, Orphanet 99735, Orphanet 99736, MedGen C2931826, MONDO:0018959, OMIM 608390.
Paramyotonia congenita of Von Eulenburg. Also called: PARALYSIS PERIODICA PARAMYOTONICA; Eulenburg disease; Myotonia congenita intermittens; Von Eulenburg paramyotonia congenita; Paramyotonia Congenita. Identifiers: Orphanet 684, MedGen C0221055, MONDO:0008195, OMIM 168300. Disease mechanism: loss of function.

gnomAD v4.1: 1 of 1,521,388 alleles (0.000066%); highest among the groups gnomAD compares: African/African-American, 0.0014%; no homozygotes.

Submissions (2):

Labcorp Genetics (formerly Invitae), Labcorp
Classification: Uncertain significance for Hyperkalemic periodic paralysis. Last evaluated: 2025-05-05. Review status: criteria provided, single submitter. Criteria: Invitae Variant Classification Sherloc (09022015). Collection method: clinical testing. Allele origin: germline.
Comment: This sequence change replaces valine, which is neutral and non-polar, with phenylalanine, which is neutral and non-polar, at codon 793 of the SCN4A protein (p.Val793Phe). This variant is not present in population databases (gnomAD no frequency). This variant has not been reported in the literature in individuals affected with SCN4A-related conditions. ClinVar contains an entry for this variant (Variation ID: 2920444). Invitae Evidence Modeling of protein sequence and biophysical properties (such as structural, functional, and spatial information, amino acid conservation, physicochemical variation, residue mobility, and thermodynamic stability) indicates that this missense variant is expected to disrupt SCN4A protein function with a positive predictive value of 80%. In summary, the available evidence is currently insufficient to determine the role of this variant in disease. Therefore, it has been classified as a Variant of Uncertain Significance.

Fulgent Genetics
Classification: Uncertain significance for Paramyotonia congenita of Von Eulenburg; Hyperkalemic periodic paralysis; Potassium-aggravated myotonia; Hypokalemic periodic paralysis, type 2; Congenital myasthenic syndrome 16; Congenital myopathy 22A, classic; Congenital myopathy 22B, severe fetal. Last evaluated: 2024-01-31. Review status: criteria provided, single submitter. Criteria: ACMG Guidelines, 2015. Collection method: clinical testing. Allele origin: germline.